The following is an entry in ClinVar:

ClinVar aggregate classification (germline): Uncertain significance. Review status: criteria provided, multiple submitters, no conflicts (2 of 4 stars). 2 submissions from 2 submitters: Uncertain significance (2). Last evaluated 2024-06-24.

Conditions:
PHIP-related disorder. Also called: PHIP-related condition; PHIP-related disorders.

Allele frequency attached by ClinVar (database versions not stated): gnomAD 0.00001; TOPMed 0.00001.
gnomAD v4.1: 12 of 1,613,934 alleles (0.00074%); highest among the groups gnomAD compares: Non-Finnish European, 0.001%; no homozygotes.

Submissions (2):

Women's Health and Genetics/Laboratory Corporation of America, LabCorp
Classification: Uncertain significance. Last evaluated: 2024-06-24. Review status: criteria provided, single submitter. Criteria: LabCorp Variant Classification Summary - May 2015. Collection method: clinical testing. Allele origin: germline.
Comment: Variant summary: PHIP c.5209G>A (p.Val1737Met) results in a conservative amino acid change in the encoded protein sequence. Five of five in-silico tools predict a benign effect of the variant on protein function. The variant allele was found at a frequency of 1.6e-05 in 251104 control chromosomes (gnomAD). The available data on variant occurrences in the general population are insufficient to allow any conclusion about variant significance. To our knowledge, no occurrence of c.5209G>A in individuals affected with Developmental Delay, Intellectual Disability, Obesity, And Dysmorphic Features and no experimental evidence demonstrating its impact on protein function have been reported. ClinVar contains an entry for this variant (Variation ID: 2629520). Based on the evidence outlined above, the variant was classified as uncertain significance.

PreventionGenetics, part of Exact Sciences
Classification: Uncertain significance for PHIP-related condition. Last evaluated: 2023-06-05. Review status: criteria provided, single submitter. Criteria: ACMG Guidelines, 2015. Collection method: clinical testing. Allele origin: germline.
Comment: The PHIP c.5209G>A variant is predicted to result in the amino acid substitution p.Val1737Met. To our knowledge, this variant has not been reported in the literature. This variant is reported in 0.0035% of alleles in individuals of European (Non-Finnish) descent in gnomAD. At this time, the clinical significance of this variant is uncertain due to the absence of conclusive functional and genetic evidence.

NM_017934.7(PHIP):c.5209G>A (p.Val1737Met)

Genes: IRAK1BP1 (interleukin 1 receptor associated kinase 1 binding protein 1; plus strand), PHIP (PHIP subunit of CUL4-Ring ligase complex; minus strand). Cytogenetic location: 6q14.1.
Variant type: single nucleotide variant.
Coding change: c.5209G>A on transcript NM_017934.7 (MANE Select); coding-DNA position 5209, G replaced by A.
Protein change: p.Val1737Met; replaces valine 1737 with methionine.
Molecular consequence: missense variant.
Genome position (GRCh38, 1-based): chr6:78,940,950, C>T on the plus strand (G>A on the coding strand, the complement: PHIP is on the minus strand). VCF-style: chr6-78940950-C-T. GRCh37 (hg19) VCF-style: chr6-79650667-C-T.
Other names: short protein forms V1737M.
Identifiers: ClinVar variation 2629520 (VCV002629520.2), dbSNP rs1026763161, ClinGen allele CA141840688.